The following is an entry in ClinVar:

NM_002691.4(POLD1):c.-2+1G>C

Gene: POLD1 (DNA polymerase delta 1, catalytic subunit; plus strand). Cytogenetic location: 19q13.33.
Variant type: single nucleotide variant.
Coding change: c.-2+1G>C on transcript NM_002691.4 (MANE Select); the canonical splice donor site of the intron after 2 bases upstream of the start codon, G replaced by C.
Molecular consequence: splice donor variant.
Genome position (GRCh38, 1-based): chr19:50,384,391, G>C. VCF-style: chr19-50384391-G-C. GRCh37 (hg19) VCF-style: chr19-50887648-G-C.
Other names: c.-2+1G>C (NM_002691.2); c.-5+1G>C (NM_001256849.1).
Identifiers: ClinVar variation 421051 (VCV000421051.3), dbSNP rs1064794875, ClinGen allele CA16620882.

ClinVar aggregate classification (germline): Uncertain significance. Review status: criteria provided, multiple submitters, no conflicts (2 of 4 stars). 2 submissions from 2 submitters: Uncertain significance (2). Last evaluated 2024-11-08.

Conditions:
Hereditary cancer-predisposing syndrome. Also called: Hereditary neoplastic syndrome; Tumor predisposition; Neoplastic Syndromes, Hereditary; Hereditary Cancer Syndrome. Identifiers: Orphanet 140162, MedGen C0027672, MeSH D009386, MONDO:0015356.

Allele frequency attached by ClinVar (database versions not stated): TOPMed below 0.00001.
gnomAD v4.1: 1 of 152,620 alleles (0.00066%); highest among the groups gnomAD compares: Non-Finnish European, 0.0015%; no homozygotes.

Submissions (2):

Ambry Genetics
Classification: Uncertain significance for Hereditary cancer-predisposing syndrome. Last evaluated: 2024-11-08. Review status: criteria provided, single submitter. Criteria: Ambry Variant Classification Scheme 2023. Collection method: clinical testing. Allele origin: germline.
Comment: The c.-2+1G>C intronic variant is located in the 5' untranslated region (5&rsquo; UTR) of the POLD1 gene. This intronic variant results from a G to C substitution one nucleotide after the first translated codon. This nucleotide position is well conserved in available vertebrate species. In silico splice site analysis predicts that this alteration will weaken the native splice donor site and will result in the creation or strengthening of a novel splice donor site. Alterations that disrupt the canonical splice site are expected to cause aberrant splicing, resulting in an abnormal protein or a transcript that is subject to nonsense-mediated mRNA decay. However,loss of function of POLD1 has not been established as a mechanism of disease. Based on the available evidence, the clinical significance of this alteration remains unclear.

GeneDx
Classification: Uncertain significance. Last evaluated: 2018-04-17. Review status: criteria provided, single submitter. Criteria: GeneDx Variant Classification (06012015). Collection method: clinical testing. Allele origin: germline. Affected: yes.
Comment: This variant is denoted POLD1 c.-2+1G>C or IVS1+1G>C and consists of a G>C nucleotide substitution at the +1 position of intron 1 of the POLD1 gene. Of note, exon 1 of POLD1 is a non coding exon, therefore this nucleotide substitution occurs prior to the POLD1 ATG translational start site which is located in exon 2. While this variant destroys the canonical splice donor site in intron 1, possibly leading to exon 1 skipping, it is unknown whether this change will affect the promoter and/or protein translation. POLD1 c.-2+1G>C has been reported in familial pancreatic cancer kindred (Roberts 2016). Based on currently available information, it is unclear whether POLD1 c.-2+1G>C is pathogenic or benign. We consider it to be a variant of uncertain significance.